The following is an entry in ClinVar:

ClinVar aggregate classification (germline): Uncertain significance. Review status: criteria provided, multiple submitters, no conflicts (2 of 4 stars). 2 submissions from 2 submitters: Uncertain significance (2). Last evaluated 2024-04-19.

Conditions:
Inborn genetic diseases. Identifiers: MedGen C0950123, MeSH D030342.

Allele frequency attached by ClinVar (database versions not stated): gnomAD exomes 0.00002 and 0.00005; ExAC 0.00014.

Submissions (2):

Ambry Genetics
Classification: Uncertain significance for Inborn genetic diseases. Last evaluated: 2024-04-19. Review status: criteria provided, single submitter. Criteria: Ambry Variant Classification Scheme 2023. Collection method: clinical testing. Allele origin: germline.

Labcorp Genetics (formerly Invitae), Labcorp
Classification: Uncertain significance. Last evaluated: 2022-08-23. Review status: criteria provided, single submitter. Criteria: Invitae Variant Classification Sherloc (09022015). Collection method: clinical testing. Allele origin: germline.
Comment: In summary, the available evidence is currently insufficient to determine the role of this variant in disease. Therefore, it has been classified as a Variant of Uncertain Significance. Algorithms developed to predict the effect of missense changes on protein structure and function are either unavailable or do not agree on the potential impact of this missense change (SIFT: "Deleterious"; PolyPhen-2: "Benign"; Align-GVGD: "Class C0"). ClinVar contains an entry for this variant (Variation ID: 1491475). This variant has not been reported in the literature in individuals affected with HELLS-related conditions. This variant is present in population databases (rs778232211, gnomAD 0.03%). This sequence change replaces arginine, which is basic and polar, with tryptophan, which is neutral and slightly polar, at codon 5 of the HELLS protein (p.Arg5Trp).

NM_018063.5(HELLS):c.13C>T (p.Arg5Trp)

Gene: HELLS (helicase, lymphoid specific; plus strand). Cytogenetic location: 10q23.33.
Variant type: single nucleotide variant.
Coding change: c.13C>T on transcript NM_018063.5 (MANE Select); coding-DNA position 13, C replaced by T.
Protein change: p.Arg5Trp; replaces arginine 5 with tryptophan.
Molecular consequence: missense variant. On other transcripts: 5 prime UTR variant (4), intron variant (1).
Genome position (GRCh38, 1-based): chr10:94,545,934, C>T. VCF-style: chr10-94545934-C-T. GRCh37 (hg19) VCF-style: chr10-96305691-C-T.
Other names: c.13C>T, p.Arg5Trp (NM_001289067.2, NM_001289069.2, NM_001289070.2 and 1 more transcripts); c.-404C>T (NM_001289071.2); c.-337C>T (NM_001289073.2); c.-990C>T (NM_001289074.2); c.-1009C>T (NM_001289075.2); c.-18+27C>T (NM_001289068.2); c.13C>T (NM_018063.3); short protein forms R5W.
Identifiers: ClinVar variation 1491475 (VCV001491475.9), dbSNP rs778232211, ClinGen allele CA5615118.